The following is an entry in ClinVar:

ClinVar aggregate classification (germline): Uncertain significance (1 of 4 stars; one submission).

Allele frequency attached by ClinVar (database versions not stated): TOPMed below 0.00001; ExAC 0.00001; gnomAD 0.00001.

Submission:

Labcorp Genetics (formerly Invitae), Labcorp
Classification: Uncertain significance. Last evaluated: 2023-08-04. Review status: criteria provided, single submitter. Criteria: Invitae Variant Classification Sherloc (09022015). Collection method: clinical testing. Allele origin: germline.
Comment: This sequence change replaces valine, which is neutral and non-polar, with alanine, which is neutral and non-polar, at codon 8 of the ARSG protein (p.Val8Ala). This variant is present in population databases (rs781857148, gnomAD 0.007%). This variant has not been reported in the literature in individuals affected with ARSG-related conditions. ClinVar contains an entry for this variant (Variation ID: 2011503). Algorithms developed to predict the effect of missense changes on protein structure and function output the following: SIFT: "Not Available"; PolyPhen-2: "Possibly Damaging"; Align-GVGD: "Not Available". The alanine amino acid residue is found in multiple mammalian species, which suggests that this missense change does not adversely affect protein function. In summary, the available evidence is currently insufficient to determine the role of this variant in disease. Therefore, it has been classified as a Variant of Uncertain Significance.

NM_001267727.2(ARSG):c.23T>C (p.Val8Ala)

Gene: ARSG (arylsulfatase G; plus strand). Cytogenetic location: 17q24.2.
Variant type: single nucleotide variant.
Coding change: c.23T>C on transcript NM_001267727.2 (MANE Select); coding-DNA position 23, T replaced by C.
Protein change: p.Val8Ala; replaces valine 8 with alanine.
Molecular consequence: missense variant.
Genome position (GRCh38, 1-based): chr17:68,307,516, T>C. VCF-style: chr17-68307516-T-C. GRCh37 (hg19) VCF-style: chr17-66303657-T-C.
Other names: c.23T>C, p.Val8Ala (NM_001352899.2, NM_001352900.2, NM_001352901.2 and 9 more transcripts); short protein forms V8A.
Identifiers: ClinVar variation 2011503 (VCV002011503.4), dbSNP rs781857148, ClinGen allele CA8728095.